The following is an entry in ClinVar:

ClinVar aggregate classification (germline): Uncertain significance. Review status: criteria provided, multiple submitters, no conflicts (2 of 4 stars). 2 submissions from 2 submitters: Uncertain significance (2). Last evaluated 2023-07-26.

Conditions:
Familial cancer of breast. Also called: BREAST CANCER, FAMILIAL; Hereditary breast cancer; hereditary breast carcinoma. Identifiers: Orphanet 227535, MedGen C0346153, MONDO:0016419, OMIM 114480. Disease mechanism: loss of function.
Hereditary cancer-predisposing syndrome. Also called: Hereditary Cancer Syndrome; Hereditary neoplastic syndrome; Neoplastic Syndromes, Hereditary; Tumor predisposition. Identifiers: Orphanet 140162, MedGen C0027672, MeSH D009386, MONDO:0015356.

Allele frequency attached by ClinVar (database versions not stated): gnomAD exomes below 0.00001; ExAC 0.00001.

Submissions (2):

Ambry Genetics
Classification: Uncertain significance for Hereditary cancer-predisposing syndrome. Last evaluated: 2023-07-26. Review status: criteria provided, single submitter. Criteria: Ambry Variant Classification Scheme 2023. Collection method: clinical testing. Allele origin: germline.
Comment: The p.S518R variant (also known as c.1552A>C), located in coding exon 14 of the CHEK2 gene, results from an A to C substitution at nucleotide position 1552. The serine at codon 518 is replaced by arginine, an amino acid with dissimilar properties. This amino acid position is conserved. In addition, this alteration is predicted to be tolerated by in silico analysis. Since supporting evidence is limited at this time, the clinical significance of this alteration remains unclear.

Labcorp Genetics (formerly Invitae), Labcorp
Classification: Uncertain significance for Familial cancer of breast. Last evaluated: 2022-01-07. Review status: criteria provided, single submitter. Criteria: Invitae Variant Classification Sherloc (09022015). Collection method: clinical testing. Allele origin: germline.
Comment: This sequence change replaces serine, which is neutral and polar, with arginine, which is basic and polar, at codon 518 of the CHEK2 protein (p.Ser518Arg). The frequency data for this variant in the population databases is considered unreliable, as metrics indicate poor data quality at this position in the gnomAD database. This variant has not been reported in the literature in individuals affected with CHEK2-related conditions. Algorithms developed to predict the effect of missense changes on protein structure and function are either unavailable or do not agree on the potential impact of this missense change (SIFT: "Deleterious"; PolyPhen-2: "Benign"; Align-GVGD: "Class C0"). In summary, the available evidence is currently insufficient to determine the role of this variant in disease. Therefore, it has been classified as a Variant of Uncertain Significance.

NM_007194.4(CHEK2):c.1552A>C (p.Ser518Arg)

Gene: CHEK2 (checkpoint kinase 2; minus strand). Cytogenetic location: 22q12.1.
Variant type: single nucleotide variant.
Coding change: c.1552A>C on transcript NM_007194.4 (MANE Select); coding-DNA position 1552, A replaced by C.
Protein change: p.Ser518Arg; replaces serine 518 with arginine.
Molecular consequence: missense variant.
Genome position (GRCh38, 1-based): chr22:28,687,977, T>G on the plus strand (A>C on the coding strand, the complement: CHEK2 is on the minus strand). VCF-style: chr22-28687977-T-G. GRCh37 (hg19) VCF-style: chr22-29083965-T-G.
Other names: c.1681A>C, p.Ser561Arg (NM_001005735.3); c.889A>C, p.Ser297Arg (NM_001257387.3); c.1351A>C, p.Ser451Arg (NM_001349956.3); c.1465A>C, p.Ser489Arg (NM_145862.3); short protein forms S489R, S297R, S518R, S451R, S561R.
Identifiers: ClinVar variation 1432480 (VCV001432480.7), dbSNP rs753560465, ClinGen allele CA10167611.